The following is an entry in ClinVar:

ClinVar aggregate classification (germline): Uncertain significance. Review status: criteria provided, multiple submitters, no conflicts (2 of 4 stars). 3 submissions from 3 submitters: Uncertain significance (2). 1 of the submissions does not count toward it. Last evaluated 2024-11-19.

Conditions:
Familial melanoma. Also called: Hereditary melanoma; Hereditary cutaneous melanoma. Identifiers: Orphanet 618, MedGen C1512419, MONDO:0018961.
Hereditary cancer-predisposing syndrome. Also called: Tumor predisposition; Hereditary neoplastic syndrome; Neoplastic Syndromes, Hereditary; Hereditary Cancer Syndrome. Identifiers: Orphanet 140162, MedGen C0027672, MeSH D009386, MONDO:0015356.

Submissions (3):

Labcorp Genetics (formerly Invitae), Labcorp
Classification: Uncertain significance for Familial melanoma. Last evaluated: 2024-11-19. Review status: criteria provided, single submitter. Criteria: Invitae Variant Classification Sherloc (09022015). Collection method: clinical testing. Allele origin: germline.
Comment: This sequence change replaces glycine, which is neutral and non-polar, with arginine, which is basic and polar, at codon 6 of the CDKN2A (p16INK4a) protein (p.Gly6Arg). This variant is not present in population databases (gnomAD no frequency). This variant has not been reported in the literature in individuals affected with CDKN2A (p16INK4a)-related conditions. ClinVar contains an entry for this variant (Variation ID: 133879). An algorithm developed to predict the effect of missense changes on protein structure and function (PolyPhen-2) suggests that this variant is likely to be tolerated. In summary, the available evidence is currently insufficient to determine the role of this variant in disease. Therefore, it has been classified as a Variant of Uncertain Significance.

Ambry Genetics
Classification: Uncertain significance for Hereditary cancer-predisposing syndrome. Last evaluated: 2024-07-03. Review status: criteria provided, single submitter. Criteria: Ambry Variant Classification Scheme 2023. Collection method: clinical testing. Allele origin: germline.
Comment: The p.G6R variant (also known as c.16G>A), located in coding exon 1 of the CDKN2A gene, results from a G to A substitution at nucleotide position 16. The glycine at codon 6 is replaced by arginine, an amino acid with dissimilar properties. This amino acid position is conserved in available vertebrate species. In addition, this alteration is predicted to be tolerated by in silico analysis. Based on the available evidence, the clinical significance of this variant remains unclear.

ITMI
No classification provided. Condition: AllHighlyPenetrant. Last evaluated: 2013-09-19. Review status: no classification provided. Collection method: reference population. Allele origin: germline. Not counted in ClinVar's aggregate classification.
Comment: Please see associated publication for description of ethnicities

Literature cited by the submitters: PubMed 24728327 (cited by ITMI).

NM_000077.5(CDKN2A):c.16G>A (p.Gly6Arg)

Gene: CDKN2A (cyclin dependent kinase inhibitor 2A; minus strand). Cytogenetic location: 9p21.3.
Variant type: single nucleotide variant.
Coding change: c.16G>A on transcript NM_000077.5; coding-DNA position 16, G replaced by A.
Protein change: p.Gly6Arg; replaces glycine 6 with arginine.
Molecular consequence: missense variant (on NM_000077.6). On other transcripts: intron variant (2).
Genome position (GRCh38, 1-based): chr9:21,974,812, C>T on the plus strand (G>A on the coding strand, the complement: CDKN2A is on the minus strand). VCF-style: chr9-21974812-C-T. GRCh37 (hg19) VCF-style: chr9-21974811-C-T.
Other names: c.16G>A, p.Gly6Arg (NM_000077.6, NM_001195132.2, NM_058197.5); c.-3-3604G>A (NM_001363763.2); c.194-3604G>A (NM_058195.4); short protein forms G6R.
Identifiers: ClinVar variation 133879 (VCV000133879.9), dbSNP rs587778190, ClinGen allele CA158061.